The following is an entry in ClinVar:

NM_003749.3(IRS2):c.3028G>A (p.Ala1010Thr)

Gene: IRS2 (insulin receptor substrate 2; minus strand). Cytogenetic location: 13q34.
Variant type: single nucleotide variant.
Coding change: c.3028G>A on transcript NM_003749.3 (MANE Select); coding-DNA position 3028, G replaced by A.
Protein change: p.Ala1010Thr; replaces alanine 1010 with threonine.
Molecular consequence: missense variant.
Genome position (GRCh38, 1-based): chr13:109,783,026, C>T on the plus strand (G>A on the coding strand, the complement: IRS2 is on the minus strand). VCF-style: chr13-109783026-C-T. GRCh37 (hg19) VCF-style: chr13-110435373-C-T.
Other names: short protein forms A1010T.
Identifiers: ClinVar variation 3377760 (VCV003377760.1).
Genomic context (GRCh38, chr13:109,783,026, plus strand): 5'-GCAGAGACGACGACGGGGACGCGGACGGACGCGGGGGCAACGGCGGATACGGGGAGGAGG[C>T]CTCGGGGGACAGGAGGCCGTCCAAGGAGCCCACGGGGTGGCCGCTCGGGGCGCCCGGCTT-3'
Protein context (NP_003740.2, residues 1000-1020): GSLDGLLSPE[Ala1010Thr]SSPYPPLPPR

ClinVar aggregate classification (germline): Uncertain significance (1 of 4 stars; one submission).

Conditions:
Type 2 diabetes mellitus. Also called: Type II diabetes mellitus. Identifiers: MedGen C0011860, MeSH D003924, MONDO:0005148, OMIM 125853, HP:0005978.

gnomAD v4.1: 263 of 1,363,640 alleles (0.019%); highest among the groups gnomAD compares: South Asian, 0.43%; 1 homozygote.

Submission:

Neuberg Centre For Genomic Medicine, NCGM
Classification: Uncertain significance for Type 2 diabetes mellitus. Last evaluated: 2023-06-22. Review status: criteria provided, single submitter. Criteria: ACMG Guidelines, 2015. Collection method: clinical testing. Allele origin: germline. Inheritance: Autosomal dominant inheritance. Affected: yes.
Comment: The observed missense c.3028G>A(p.Ala1010Thr) variant in IRS2 gene has not been reported previously as a pathogenic variant nor as a benign variant, to our knowledge. This variant is reported with the allele frequency of 0.01% in the gnomAD Exomes. The amino acid Ala at position 1010 is changed to a Thr changing protein sequence and it might alter its composition and physico-chemical properties. The amino acid change p.Ala1010Thr in IRS2 is predicted as conserved by GERP++ and PhyloP across 100 vertebrates. Computational evidence (Polyphen - Possibly damaging, SIFT - Tolerated, and MutationTaster - Polymorphism automatic) predicts conflicting evidence on protein structure and function for this variant. For these reasons, this variant has been classified as Uncertain Significance.